The following is an entry in ClinVar:

ClinVar aggregate classification (germline): Pathogenic. Review status: criteria provided, multiple submitters, no conflicts (2 of 4 stars). 5 submissions from 5 submitters: Pathogenic (5). Last evaluated 2025-06-23.

Conditions:
Maple syrup urine disease (MSUD). Identifiers: Orphanet 511, MedGen C0024776, MeSH D008375, MONDO:0009563. Disease mechanism: loss of function.
Maple syrup urine disease type 1A (MSUD1A). Also called: MSUD type 1A. Identifiers: MedGen C1855369, MONDO:0023691, OMIM 248600.

Allele frequency attached by ClinVar (database versions not stated): ExAC 0.00001; gnomAD exomes 0.00001 and 0.00003.
gnomAD v4.1: 48 of 1,613,982 alleles (0.003%); highest among the groups gnomAD compares: Non-Finnish European, 0.0039%; no homozygotes.

Submissions (5):

Natera, Inc.
Classification: Pathogenic for Maple syrup urine disease type 1A. Last evaluated: 2025-06-23. Review status: criteria provided, single submitter. Criteria: Natera Variant Classification Schema (03/2026). Collection method: clinical testing. Allele origin: germline.
Comment: The c.854-2A>G variant in BCKDHA is a canonical splice acceptor site variant predicted to affect pre-mRNA splicing, which may result in an abnormal transcript and altered protein product. This variant is expected to result in nonsense mediated decay, truncation, or a dysfunctional protein product. This variant is rare in the general population with a frequency below the threshold expected for the associated phenotype(s). This variant has been observed in one or more individuals affected with the associated recessive disease, as either homozygous or compound heterozygous with a second variant (PMID: 33300147, 31980395). Given the available evidence, this variant is classified as Pathogenic.

Baylor Genetics
Classification: Pathogenic for Maple syrup urine disease type 1A. Last evaluated: 2023-12-26. Review status: criteria provided, single submitter. Criteria: ACMG Guidelines, 2015. Collection method: clinical testing. Allele origin: unknown.

Labcorp Genetics (formerly Invitae), Labcorp
Classification: Pathogenic for Maple syrup urine disease. Last evaluated: 2023-10-28. Review status: criteria provided, single submitter. Criteria: Invitae Variant Classification Sherloc (09022015). Collection method: clinical testing. Allele origin: germline.
Comment: This sequence change affects an acceptor splice site in intron 6 of the BCKDHA gene. It is expected to disrupt RNA splicing. Variants that disrupt the donor or acceptor splice site typically lead to a loss of protein function (PMID: 16199547), and loss-of-function variants in BCKDHA are known to be pathogenic (PMID: 16786533, 22593002). This variant is present in population databases (rs760494152, gnomAD 0.003%). Disruption of this splice site has been observed in individual(s) with maple syrup urine disease (PMID: 31980395, 33300147; Invitae). In at least one individual the data is consistent with being in trans (on the opposite chromosome) from a pathogenic variant. ClinVar contains an entry for this variant (Variation ID: 500713). Algorithms developed to predict the effect of sequence changes on RNA splicing suggest that this variant may disrupt the consensus splice site. For these reasons, this variant has been classified as Pathogenic.

Genome-Nilou Lab
Classification: Pathogenic for Maple syrup urine disease type 1A. Last evaluated: 2021-11-07. Review status: criteria provided, single submitter. Criteria: ACMG Guidelines, 2015. Collection method: clinical testing. Allele origin: germline. Affected: no.

Eurofins Ntd Llc (ga)
Classification: Pathogenic. Last evaluated: 2017-03-08. Review status: criteria provided, single submitter. Criteria: EGL Classification Definitions 2015. Collection method: clinical testing. Allele origin: germline. Observed: 1 variant allele, 1 heterozygote.

Literature cited by the submitters: PubMed 33300147 (cited by Natera, Inc. and Labcorp Genetics (formerly Invitae), Labcorp); PubMed 31980395 (cited by Natera, Inc. and Labcorp Genetics (formerly Invitae), Labcorp); PubMed 16199547 (cited by Labcorp Genetics (formerly Invitae), Labcorp); PubMed 16786533 (cited by Labcorp Genetics (formerly Invitae), Labcorp); PubMed 22593002 (cited by Labcorp Genetics (formerly Invitae), Labcorp).

NM_000709.4(BCKDHA):c.854-2A>G

Gene: BCKDHA (branched chain keto acid dehydrogenase E1 subunit alpha; plus strand). Cytogenetic location: 19q13.2.
Variant type: single nucleotide variant.
Coding change: c.854-2A>G on transcript NM_000709.4 (MANE Select); the canonical splice acceptor site of the intron before coding-DNA position 854, A replaced by G.
Molecular consequence: splice acceptor variant. On other transcripts: intron variant (1).
Genome position (GRCh38, 1-based): chr19:41,422,627, A>G. VCF-style: chr19-41422627-A-G. GRCh37 (hg19) VCF-style: chr19-41928532-A-G.
Other names: c.854-2A>G (NM_000709.3); c.854-5A>G (NM_001164783.2).
Identifiers: ClinVar variation 500713 (VCV000500713.16), dbSNP rs760494152, ClinGen allele CA9461288.
Genomic context (GRCh38, chr19:41,422,627, plus strand): 5'-TGGCCTCGTGCATGTTCCTTATCTCAGCCCTGGCCTGACCTGCCTTCTCTGTGTCCCCAC[A>G]GCAGCACGAGGCCCCGGGTATGGCATCATGTCAATCCGCGTGGATGGTAATGATGTGTTT-3'